The following is an entry in ClinVar:

ClinVar aggregate classification (germline): Likely benign. Review status: criteria provided, multiple submitters, no conflicts (2 of 4 stars). 6 submissions from 6 submitters: Likely benign (6). Last evaluated 2026-06-28.

Conditions:
RECQL4-related disorder. Also called: RECQL4-related disorders; RECQL4-related condition.
Rothmund-Thomson syndrome type 2 (RTS2). Identifiers: Orphanet 221016, MedGen C5203410, MONDO:0016369, OMIM 268400.
Inborn genetic diseases. Identifiers: MedGen C0950123, MeSH D030342.
Hereditary cancer-predisposing syndrome. Also called: Hereditary Cancer Syndrome; Tumor predisposition; Hereditary neoplastic syndrome; Neoplastic Syndromes, Hereditary. Identifiers: Orphanet 140162, MedGen C0027672, MeSH D009386, MONDO:0015356.
Baller-Gerold syndrome (BGS). Also called: CRANIOSYNOSTOSIS WITH RADIAL DEFECTS. Identifiers: Orphanet 1225, MedGen C0265308, MONDO:0009039, OMIM 218600.

Allele frequency attached by ClinVar (database versions not stated): ESP Exome Variant Server 0.00008; gnomAD 0.00016 and 0.00019; TOPMed 0.00020; ExAC 0.00023; gnomAD exomes 0.00023 and 0.00024.

Submissions (6):

PreventionGenetics, part of Exact Sciences
Classification: Likely benign for RECQL4-related condition. Last evaluated: 2026-06-28. Review status: criteria provided, single submitter. Criteria: ACMG Guidelines, 2015. Collection method: clinical testing. Allele origin: germline.
Comment: This variant is classified as likely benign based on ACMG/AMP sequence variant interpretation guidelines (Richards et al. 2015 PMID: 25741868, with internal and published modifications).

Labcorp Genetics (formerly Invitae), Labcorp
Classification: Likely benign for Baller-Gerold syndrome. Last evaluated: 2026-01-07. Review status: criteria provided, single submitter. Criteria: Invitae Variant Classification Sherloc (09022015). Collection method: clinical testing. Allele origin: germline.

Ambry Genetics
Classification: Likely benign for Inborn genetic diseases. Last evaluated: 2024-11-20. Review status: criteria provided, single submitter. Criteria: Ambry Variant Classification Scheme 2023. Collection method: clinical testing. Allele origin: germline.

Blueprint Genetics
Classification: Likely benign. Last evaluated: 2024-06-07. Review status: criteria provided, single submitter. Criteria: ACMG Guidelines, 2015. Collection method: clinical testing. Allele origin: germline.

KCCC/NGS Laboratory, Kuwait Cancer Control Center
Classification: Likely benign for Rothmund-Thomson syndrome type 2. Last evaluated: 2023-07-07. Review status: criteria provided, single submitter. Criteria: ACMG Guidelines, 2015. Collection method: clinical testing. Allele origin: germline. Affected: yes.

Sema4
Classification: Likely benign for Hereditary cancer-predisposing syndrome. Last evaluated: 2021-09-10. Review status: criteria provided, single submitter. Criteria: Sema4 Curation Guidelines. Collection method: curation. Allele origin: germline.

NM_004260.4(RECQL4):c.1581G>A (p.Thr527=)

Gene: RECQL4 (RecQ like helicase 4; minus strand). Cytogenetic location: 8q24.3.
Variant type: single nucleotide variant.
Coding change: c.1581G>A on transcript NM_004260.4 (MANE Select); coding-DNA position 1581, G replaced by A.
Protein change: p.Thr527=; no amino-acid change (threonine 527 retained).
Molecular consequence: synonymous variant.
Genome position (GRCh38, 1-based): chr8:144,514,975, C>T on the plus strand (G>A on the coding strand, the complement: RECQL4 is on the minus strand). VCF-style: chr8-144514975-C-T. GRCh37 (hg19) VCF-style: chr8-145740359-C-T.
Identifiers: ClinVar variation 414224 (VCV000414224.15), dbSNP rs367559988, ClinGen allele CA4948795.